The following is an entry in ClinVar:

ClinVar aggregate classification (germline): Pathogenic (1 of 4 stars; one submission).

Conditions:
Gorlin syndrome. Also called: Nevoid Basal Cell Carcinoma Syndrome; Basal cell nevus syndrome. Identifiers: Orphanet 377, MedGen C0004779, MONDO:0007187.

Submission:

Labcorp Genetics (formerly Invitae), Labcorp
Classification: Pathogenic for Gorlin syndrome. Last evaluated: 2024-06-03. Review status: criteria provided, single submitter. Criteria: Invitae Variant Classification Sherloc (09022015). Collection method: clinical testing. Allele origin: germline.
Comment: This sequence change creates a premature translational stop signal (p.Asp717Argfs*21) in the PTCH1 gene. It is expected to result in an absent or disrupted protein product. Loss-of-function variants in PTCH1 are known to be pathogenic (PMID: 16301862, 16419085). This variant is not present in population databases (gnomAD no frequency). This variant has not been reported in the literature in individuals affected with PTCH1-related conditions. ClinVar contains an entry for this variant (Variation ID: 849365). For these reasons, this variant has been classified as Pathogenic.

Literature cited by the submitters: PubMed 16301862; PubMed 16419085.

NM_000264.5(PTCH1):c.2148dup (p.Asp717fs)

Genes: PTCH1 (patched 1; minus strand), LOC100507346 (uncharacterized LOC100507346; plus strand). Cytogenetic location: 9q22.32.
Variant type: Duplication.
Coding change: c.2148dup on transcript NM_000264.5 (MANE Select); coding-DNA position 2148, one base duplicated (C; older notation c.2148dupC).
Protein change: p.Asp717fs; shifts the reading frame from aspartic acid 717.
Molecular consequence: frameshift variant. On other transcripts: non-coding transcript variant (2).
Genome position (GRCh38, 1-based): chr9:95,468,853, G duplicated on the plus strand (C on the coding strand, the reverse complement: PTCH1 is on the minus strand); the first of 2 consecutive G bases (chr9:95,468,853-95,468,854); duplicating either gives the same sequence. VCF-style (leftmost placement, unchanged base first): chr9-95468852-C-CG. GRCh37 (hg19) VCF-style: chr9-98231134-C-CG.
Other names: c.1950dup, p.Asp651fs (NM_001083602.3); c.2145dup, p.Asp716fs (NM_001083603.3); c.1695dup, p.Asp566fs (NM_001083604.3, NM_001083605.3, NM_001083606.3 and 1 more transcripts); c.1992dup, p.Asp665fs (NM_001354918.2); short protein forms D665fs, D716fs, D566fs, D651fs, D717fs.
Identifiers: ClinVar variation 849365 (VCV000849365.11), dbSNP rs1840283586, ClinGen allele CA916081548.